The following is an entry in ClinVar:

NM_000182.5(HADHA):c.2000+5G>C

Genes: HADHA (hydroxyacyl-CoA dehydrogenase trifunctional multienzyme complex subunit alpha; minus strand), GAREM2 (GRB2 associated regulator of MAPK1 subtype 2; plus strand). Cytogenetic location: 2p23.3.
Variant type: single nucleotide variant.
Coding change: c.2000+5G>C on transcript NM_000182.5 (MANE Select); 5 bases into the intron after coding-DNA position 2000, G replaced by C.
Molecular consequence: intron variant.
Genome position (GRCh38, 1-based): chr2:26,192,305, C>G on the plus strand (G>C on the coding strand, the complement: HADHA is on the minus strand). VCF-style: chr2-26192305-C-G. GRCh37 (hg19) VCF-style: chr2-26415174-C-G.
Identifiers: ClinVar variation 2144290 (VCV002144290.4), dbSNP rs2465508288, ClinGen allele CA2576696577.
Genomic context (GRCh38, chr2:26,192,305, plus strand): 5'-GCTGGGAAGCTTTGGGCTGTCAGAGAAAGTCAATTTCCAGGCATTAGCCACTCAAACGGA[C>G]TTACACTTCAGACTTAGGAGGCAGCTTCAGACTCGCTAAAATACTATCCATGTCAGAATT-3'

ClinVar aggregate classification (germline): Uncertain significance (1 of 4 stars; one submission).

Conditions:
Mitochondrial trifunctional protein deficiency. Identifiers: Orphanet 746, MedGen C1969443, MONDO:0012172.
Long chain 3-hydroxyacyl-CoA dehydrogenase deficiency. Also called: Deficiency of long-chain 3-hydroxyacyl-coenzyme A dehydrogenase; LCHAD Deficiency. Identifiers: Orphanet 5, MedGen C3711645, MONDO:0012173, OMIM 609016.

Submission:

Labcorp Genetics (formerly Invitae), Labcorp
Classification: Uncertain significance for Mitochondrial trifunctional protein deficiency; Long chain 3-hydroxyacyl-CoA dehydrogenase deficiency. Last evaluated: 2022-06-15. Review status: criteria provided, single submitter. Criteria: Invitae Variant Classification Sherloc (09022015). Collection method: clinical testing. Allele origin: germline.
Comment: In summary, the available evidence is currently insufficient to determine the role of this variant in disease. Therefore, it has been classified as a Variant of Uncertain Significance. Variants that disrupt the consensus splice site are a relatively common cause of aberrant splicing (PMID: 17576681, 9536098). Algorithms developed to predict the effect of sequence changes on RNA splicing suggest that this variant may disrupt the consensus splice site. This variant has not been reported in the literature in individuals affected with HADHA-related conditions. This variant is not present in population databases (gnomAD no frequency). This sequence change falls in intron 18 of the HADHA gene. It does not directly change the encoded amino acid sequence of the HADHA protein. It affects a nucleotide within the consensus splice site.

Literature cited by the submitters: PubMed 17576681; PubMed 9536098.